The following is an entry in ClinVar:

NM_002894.3(RBBP8):c.2287+1G>A

Gene: RBBP8 (RB binding protein 8, endonuclease; plus strand). Cytogenetic location: 18q11.2.
Variant type: single nucleotide variant.
Coding change: c.2287+1G>A on transcript NM_002894.3 (MANE Select); the canonical splice donor site of the intron after coding-DNA position 2287, G replaced by A.
Molecular consequence: splice donor variant.
Genome position (GRCh38, 1-based): chr18:23,001,730, G>A. VCF-style: chr18-23001730-G-A. GRCh37 (hg19) VCF-style: chr18-20581693-G-A.
Other names: c.2287+1G>A (NM_203292.2, NM_203291.2).
Identifiers: ClinVar variation 1333383 (VCV001333383.1), dbSNP rs2045952037, ClinGen allele CA401781841.

ClinVar aggregate classification (germline): Likely pathogenic (1 of 4 stars; one submission).

Conditions:
Jawad syndrome (JWDS). Also called: KELLY SYNDROME; MICROCEPHALY WITH IMPAIRED INTELLECTUAL DEVELOPMENT AND DIGITAL ANOMALIES. Identifiers: Orphanet 313795, MedGen C0796063, MONDO:0009622, OMIM 251255.

Allele frequency attached by ClinVar (database versions not stated): gnomAD exomes below 0.00001.
gnomAD v4.1: 1 of 1,614,074 alleles (0.000062%); highest among the groups gnomAD compares: Non-Finnish European, 0.000085%; no homozygotes.

Submission:

3billion
Classification: Likely pathogenic for Jawad syndrome. Last evaluated: 2022-01-03. Review status: criteria provided, single submitter. Criteria: ACMG Guidelines, 2015. Collection method: clinical testing. Allele origin: germline. Affected: yes. Observed: 1 heterozygote.
Comment: Canonical splice site: predicted to alter splicing and result in a loss or disruption of normal protein function through protein truncation. Multiple pathogenic variants are reported in the predicted truncated region (PVS1_VS).It is not observed in the gnomAD v2.1.1 dataset (PM2_M). Therefore, this variant is classified as likely pathogenic according to the recommendation of ACMG/AMP guideline.